The following is an entry in ClinVar:

NM_001378969.1(KCND3):c.1532T>C (p.Ile511Thr)

Gene: KCND3 (potassium voltage-gated channel subfamily D member 3; minus strand). Cytogenetic location: 1p13.2.
Variant type: single nucleotide variant.
Coding change: c.1532T>C on transcript NM_001378969.1 (MANE Select); coding-DNA position 1532, T replaced by C.
Protein change: p.Ile511Thr; replaces isoleucine 511 with threonine.
Molecular consequence: missense variant.
Genome position (GRCh38, 1-based): chr1:111,777,260, A>G on the plus strand (T>C on the coding strand, the complement: KCND3 is on the minus strand). VCF-style: chr1-111777260-A-G. GRCh37 (hg19) VCF-style: chr1-112319882-A-G.
Other names: c.1475T>C, p.Ile492Thr (NM_001378970.1, NM_172198.3); c.1532T>C, p.Ile511Thr (NM_004980.5); short protein forms I492T, I511T.
Identifiers: ClinVar variation 4761322 (VCV004761322.1).

ClinVar aggregate classification (germline): Uncertain significance (1 of 4 stars; one submission).

Conditions:
Spinocerebellar ataxia type 19/22 (SCA19). Also called: SPINOCEREBELLAR ATAXIA 22; SPINOCEREBELLAR ATAXIA 19. Identifiers: Orphanet 98772, MedGen C1846367, MONDO:0011819, OMIM 607346.

gnomAD v4.1: 1 of 1,614,232 alleles (0.000062%); highest among the groups gnomAD compares: South Asian, 0.0011%; no homozygotes.

Submission:

Labcorp Genetics (formerly Invitae), Labcorp
Classification: Uncertain significance for Spinocerebellar ataxia type 19/22. Last evaluated: 2025-02-16. Review status: criteria provided, single submitter. Criteria: Invitae Variant Classification Sherloc (09022015). Collection method: clinical testing. Allele origin: germline.
Comment: This sequence change replaces isoleucine, which is neutral and non-polar, with threonine, which is neutral and polar, at codon 511 of the KCND3 protein (p.Ile511Thr). This variant is not present in population databases (gnomAD no frequency). This variant has not been reported in the literature in individuals affected with KCND3-related conditions. Invitae Evidence Modeling of protein sequence and biophysical properties (such as structural, functional, and spatial information, amino acid conservation, physicochemical variation, residue mobility, and thermodynamic stability) indicates that this missense variant is not expected to disrupt KCND3 protein function with a negative predictive value of 95%. In summary, the available evidence is currently insufficient to determine the role of this variant in disease. Therefore, it has been classified as a Variant of Uncertain Significance.